The following is an entry in ClinVar:

ClinVar aggregate classification (germline): Uncertain significance (1 of 4 stars; one submission).

Submission:

Women's Health and Genetics/Laboratory Corporation of America, LabCorp
Classification: Uncertain significance. Last evaluated: 2025-12-17. Review status: criteria provided, single submitter. Criteria: LabCorp Variant Classification Summary - May 2015. Collection method: clinical testing. Allele origin: germline.
Comment: Variant summary: MYH14 c.2910+6G>T alters a non-conserved nucleotide located close to a canonical splice site and therefore could affect mRNA splicing, leading to a significantly altered protein sequence. Consensus agreement among computation tools predict no significant impact on normal splicing. However, these predictions have yet to be confirmed by functional studies. The variant allele was found at a frequency of 1.2e-05 in 161956 control chromosomes. The available data on variant occurrences in the general population are insufficient to allow any conclusion about variant significance. To our knowledge, no occurrence of c.2910+6G>T in individuals affected with MYH14-related conditions and no experimental evidence demonstrating its impact on protein function have been reported. No submitters have cited clinical-significance assessments for this variant to ClinVar. Based on the evidence outlined above, the variant was classified as uncertain significance.

NM_001145809.2(MYH14):c.3033+6G>T

Gene: MYH14 (myosin heavy chain 14; plus strand). Cytogenetic location: 19q13.33.
Variant type: single nucleotide variant.
Coding change: c.3033+6G>T on transcript NM_001145809.2 (MANE Select); 6 bases into the intron after coding-DNA position 3033, G replaced by T.
Molecular consequence: intron variant.
Genome position (GRCh38, 1-based): chr19:50,268,373, G>T. VCF-style: chr19-50268373-G-T. GRCh37 (hg19) VCF-style: chr19-50771630-G-T.
Other names: c.2934+6G>T (NM_001077186.2); c.2910+6G>T (NM_024729.4).
Identifiers: ClinVar variation 4688246 (VCV004688246.1).
Genomic context (GRCh38, chr19:50,268,373, plus strand): 5'-GGAGTGCAGCCGTCAAATGCAAACCGAGAAGAAGAGGCTGCAGCAGCACATACAGGTCTG[G>T]CCCCTTGCATGCCCACCAGGCCACCCTCCAGACCCCTCTGTCTACACCATCCACCTTTGC-3'